The following is an entry in ClinVar:

ClinVar aggregate classification (germline): Uncertain significance (1 of 4 stars; one submission).

Submission:

Ambry Genetics
Classification: Uncertain significance. Last evaluated: 2021-06-29. Review status: criteria provided, single submitter. Criteria: Ambry Variant Classification Scheme 2023. Collection method: clinical testing. Allele origin: germline.
Comment: The p.I407N variant (also known as c.1220T>A), located in coding exon 8 of the IDH1 gene, results from a T to A substitution at nucleotide position 1220. The isoleucine at codon 407 is replaced by asparagine, an amino acid with dissimilar properties. This amino acid position is conserved. In addition, this alteration is predicted to be tolerated by in silico analysis. Since supporting evidence is limited at this time, the clinical significance of this alteration remains unclear.

NM_005896.4(IDH1):c.1220T>A (p.Ile407Asn)

Gene: IDH1 (isocitrate dehydrogenase (NADP(+)) 1; minus strand). Cytogenetic location: 2q34.
Variant type: single nucleotide variant.
Coding change: c.1220T>A on transcript NM_005896.4 (MANE Select); coding-DNA position 1220, T replaced by A.
Protein change: p.Ile407Asn; replaces isoleucine 407 with asparagine.
Molecular consequence: missense variant.
Genome position (GRCh38, 1-based): chr2:208,237,104, A>T on the plus strand (T>A on the coding strand, the complement: IDH1 is on the minus strand). VCF-style: chr2-208237104-A-T. GRCh37 (hg19) VCF-style: chr2-209101828-A-T.
Other names: c.1220T>A, p.Ile407Asn (NM_001282386.1, NM_001282387.1); short protein forms I407N.
Identifiers: ClinVar variation 1753014 (VCV001753014.2), dbSNP rs2469010406, ClinGen allele CA350093525.
Genomic context (GRCh38, chr2:208,237,104, plus strand): 5'-AAAAGACAATTATCCTTCTTAGCTCAGGTATGAACTTAAAGTTTGGCCTGAGCTAGTTTG[A>T]TCTTCAAGTTTTCTCCAAGTTTATCCATGAACTCAAATGTATTCAAGTAGTCAGAACGTT-3'
Protein context (NP_005887.2, residues 397-414): FMDKLGENLK[Ile407Asn]KLAQAKL